The following is an entry in ClinVar:

ClinVar aggregate classification (germline): Uncertain significance (1 of 4 stars; one submission).

Submission:

Labcorp Genetics (formerly Invitae), Labcorp
Classification: Uncertain significance. Last evaluated: 2021-11-16. Review status: criteria provided, single submitter. Criteria: Invitae Variant Classification Sherloc (09022015). Collection method: clinical testing. Allele origin: germline.
Comment: In summary, the available evidence is currently insufficient to determine the role of this variant in disease. Therefore, it has been classified as a Variant of Uncertain Significance. Algorithms developed to predict the effect of missense changes on protein structure and function (SIFT, PolyPhen-2, Align-GVGD) all suggest that this variant is likely to be tolerated. This variant has not been reported in the literature in individuals affected with STAT4-related conditions. This variant is not present in population databases (gnomAD no frequency). This sequence change replaces leucine, which is neutral and non-polar, with isoleucine, which is neutral and non-polar, at codon 566 of the STAT4 protein (p.Leu566Ile).

NM_003151.4(STAT4):c.1696C>A (p.Leu566Ile)

Gene: STAT4 (signal transducer and activator of transcription 4; minus strand). Cytogenetic location: 2q32.2.
Variant type: single nucleotide variant.
Coding change: c.1696C>A on transcript NM_003151.4 (MANE Select); coding-DNA position 1696, C replaced by A.
Protein change: p.Leu566Ile; replaces leucine 566 with isoleucine.
Molecular consequence: missense variant.
Genome position (GRCh38, 1-based): chr2:191,033,930, G>T on the plus strand (C>A on the coding strand, the complement: STAT4 is on the minus strand). VCF-style: chr2-191033930-G-T. GRCh37 (hg19) VCF-style: chr2-191898656-G-T.
Other names: c.1696C>A, p.Leu566Ile (NM_001243835.2); short protein forms L566I.
Identifiers: ClinVar variation 1404654 (VCV001404654.6), dbSNP rs2125143056, ClinGen allele CA349908284.
Genomic context (GRCh38, chr2:191,033,930, plus strand): 5'-AACATAATTAACTCATATGAAAAATATAGCCTATAACTTACCCATCAATCCAAAGGGGAA[G>T]AATGTGTTTCTTAATTAGATCCAATATTGCTTCAAGCCATGTCCAAAAGGTAAATGATTT-3'
Protein context (NP_003142.1, residues 556-576): AILDLIKKHI[Leu566Ile]PLWIDGYVMG